The following is an entry in ClinVar:

NM_004638.4(PRRC2A):c.6223C>T (p.Arg2075Trp)

Gene: PRRC2A (proline rich coiled-coil 2A; plus strand). Cytogenetic location: 6p21.33.
Variant type: single nucleotide variant.
Coding change: c.6223C>T on transcript NM_004638.4 (MANE Select); coding-DNA position 6223, C replaced by T.
Protein change: p.Arg2075Trp; replaces arginine 2075 with tryptophan.
Molecular consequence: missense variant.
Genome position (GRCh38, 1-based): chr6:31,637,117, C>T. VCF-style: chr6-31637117-C-T. GRCh37 (hg19) VCF-style: chr6-31604894-C-T.
Other names: c.6223C>T, p.Arg2075Trp (NM_080686.3); short protein forms R2075W.
Identifiers: ClinVar variation 3044974 (VCV003044974.2), dbSNP rs34137317, ClinGen allele CA3716777.

ClinVar aggregate classification (germline): Benign (0 of 4 stars; one submission).

Conditions:
PRRC2A-related disorder. Also called: PRRC2A-related condition.

Allele frequency attached by ClinVar (database versions not stated): 1000 Genomes Project 30x 0.00468; 1000 Genomes Project 0.00539; TOPMed 0.01126; gnomAD 0.01196; ExAC 0.01206; ESP Exome Variant Server 0.01268.
gnomAD v4.1: 24,533 of 1,610,836 alleles (1.5%); highest among the groups gnomAD compares: Non-Finnish European, 1.8%; 229 homozygotes.

Submission:

PreventionGenetics, part of Exact Sciences
Classification: Benign for PRRC2A-related condition. Last evaluated: 2019-06-05. Review status: no assertion criteria provided. Collection method: clinical testing. Allele origin: germline.
Comment: This variant is classified as benign based on ACMG/AMP sequence variant interpretation guidelines (Richards et al. 2015 PMID: 25741868, with internal and published modifications).